The following is an entry in ClinVar:

NM_005188.4(CBL):c.193A>C (p.Lys65Gln)

Gene: CBL (Cbl proto-oncogene; plus strand). Cytogenetic location: 11q23.3.
Variant type: single nucleotide variant.
Coding change: c.193A>C on transcript NM_005188.4 (MANE Select); coding-DNA position 193, A replaced by C.
Protein change: p.Lys65Gln; replaces lysine 65 with glutamine.
Molecular consequence: missense variant.
Genome position (GRCh38, 1-based): chr11:119,206,610, A>C. VCF-style: chr11-119206610-A-C. GRCh37 (hg19) VCF-style: chr11-119077320-A-C.
Other names: short protein forms K65Q.
Identifiers: ClinVar variation 1810489 (VCV001810489.1), dbSNP rs2496819782, ClinGen allele CA382976776.

ClinVar aggregate classification (germline): Uncertain significance (1 of 4 stars; one submission).

Submission:

GeneDx
Classification: Uncertain significance. Last evaluated: 2022-07-06. Review status: criteria provided, single submitter. Criteria: GeneDx Variant Classification Process June 2021. Collection method: clinical testing. Allele origin: germline. Affected: yes.
Comment: Not observed at significant frequency in large population cohorts (gnomAD); In silico analysis supports that this missense variant has a deleterious effect on protein structure/function; Has not been previously published as pathogenic or benign to our knowledge